The following is an entry in ClinVar:

ClinVar aggregate classification (germline): Uncertain significance (1 of 4 stars; one submission).

Allele frequency attached by ClinVar (database versions not stated): gnomAD exomes 0.00011; ExAC 0.00013; gnomAD 0.00014 and 0.00015; 1000 Genomes Project 30x 0.00016; TOPMed 0.00017; 1000 Genomes Project 0.00020; ESP Exome Variant Server 0.00031.
gnomAD v4.1: 296 of 1,613,068 alleles (0.018%); highest among the groups gnomAD compares: Non-Finnish European, 0.023%; no homozygotes.

Submission:

Labcorp Genetics (formerly Invitae), Labcorp
Classification: Uncertain significance. Last evaluated: 2025-10-31. Review status: criteria provided, single submitter. Criteria: Invitae Variant Classification Sherloc (09022015). Collection method: clinical testing. Allele origin: germline.
Comment: This sequence change replaces valine, which is neutral and non-polar, with methionine, which is neutral and non-polar, at codon 291 of the SLC1A3 protein (p.Val291Met). This variant is present in population databases (rs143438887, gnomAD 0.02%). This variant has not been reported in the literature in individuals affected with SLC1A3-related conditions. ClinVar contains an entry for this variant (Variation ID: 1380866). Invitae Evidence Modeling of protein sequence and biophysical properties (such as structural, functional, and spatial information, amino acid conservation, physicochemical variation, residue mobility, and thermodynamic stability) indicates that this missense variant is not expected to disrupt SLC1A3 protein function with a negative predictive value of 80%. In summary, the available evidence is currently insufficient to determine the role of this variant in disease. Therefore, it has been classified as a Variant of Uncertain Significance.

NM_004172.5(SLC1A3):c.871G>A (p.Val291Met)

Genes: SLC1A3 (solute carrier family 1 member 3; plus strand), SLC1A3-AS1 (SLC1A3 antisense RNA 1; minus strand). Cytogenetic location: 5p13.2.
Variant type: single nucleotide variant.
Coding change: c.871G>A on transcript NM_004172.5 (MANE Select); coding-DNA position 871, G replaced by A.
Protein change: p.Val291Met; replaces valine 291 with methionine.
Molecular consequence: missense variant.
Genome position (GRCh38, 1-based): chr5:36,679,637, G>A. VCF-style: chr5-36679637-G-A. GRCh37 (hg19) VCF-style: chr5-36679739-G-A.
Other names: c.871G>A, p.Val291Met (NM_001166695.3); c.733G>A, p.Val245Met (NM_001289939.2); c.535G>A, p.Val179Met (NM_001289940.2); short protein forms V179M, V245M, V291M.
Identifiers: ClinVar variation 1380866 (VCV001380866.6), dbSNP rs143438887, ClinGen allele CA3235569.
Genomic context (GRCh38, chr5:36,679,637, plus strand): 5'-TAGCTTGGTGGAAACCAGACTCCAACCGTGCTGGTGTTGCTTCTCCCCAGGTATGCCCCC[G>A]TGGGTATTCTCTTCCTGATTGCTGGGAAGATTGTGGAGATGGAAGACATGGGTGTGATTG-3'
Protein context (NP_004163.3, residues 281-301): LVAVIMWYAP[Val291Met]GILFLIAGKI